The following is an entry in ClinVar:

NM_017570.5(OPLAH):c.443G>C (p.Gly148Ala)

Gene: OPLAH (5-oxoprolinase, ATP-hydrolysing; minus strand). Cytogenetic location: 8q24.3.
Variant type: single nucleotide variant.
Coding change: c.443G>C on transcript NM_017570.5 (MANE Select); coding-DNA position 443, G replaced by C.
Protein change: p.Gly148Ala; replaces glycine 148 with alanine.
Molecular consequence: missense variant.
Genome position (GRCh38, 1-based): chr8:144,059,000, C>G on the plus strand (G>C on the coding strand, the complement: OPLAH is on the minus strand). VCF-style: chr8-144059000-C-G. GRCh37 (hg19) VCF-style: chr8-145113903-C-G.
Other names: c.443G>C (NM_017570.4); short protein forms G148A.
Identifiers: ClinVar variation 1169798 (VCV001169798.9), dbSNP rs111254751, ClinGen allele CA4932291.

ClinVar aggregate classification (germline): Benign. Review status: criteria provided, multiple submitters, no conflicts (2 of 4 stars). 3 submissions from 3 submitters: Benign (3). Last evaluated 2026-02-01.

Conditions:
5-Oxoprolinase deficiency (OPLAHD). Also called: 5-OXOPROLINURIA DUE TO 5-OXOPROLINASE DEFICIENCY. Identifiers: Orphanet 33572, MedGen C0268525, MONDO:0009825, OMIM 260005, HP:0040142.
OPLAH-related disorder. Also called: OPLAH-related condition.

Allele frequency attached by ClinVar (database versions not stated): ESP Exome Variant Server 0.00283; gnomAD 0.00403 and 0.00473; gnomAD exomes 0.00562 and 0.00819; 1000 Genomes Project 30x 0.00765; 1000 Genomes Project 0.00779; ExAC 0.01777.
gnomAD v4.1: 8,802 of 1,572,350 alleles (0.56%); highest among the groups gnomAD compares: South Asian, 2.8%; 72 homozygotes.

Submissions (3):

Labcorp Genetics (formerly Invitae), Labcorp
Classification: Benign for 5-Oxoprolinase deficiency. Last evaluated: 2026-02-01. Review status: criteria provided, single submitter. Criteria: Invitae Variant Classification Sherloc (09022015). Collection method: clinical testing. Allele origin: germline.

PreventionGenetics, part of Exact Sciences
Classification: Benign for OPLAH-related condition. Last evaluated: 2025-01-30. Review status: criteria provided, single submitter. Criteria: ACMG Guidelines, 2015. Collection method: clinical testing. Allele origin: germline.
Comment: This variant is classified as benign based on ACMG/AMP sequence variant interpretation guidelines (Richards et al. 2015 PMID: 25741868, with internal and published modifications).

Breakthrough Genomics
Classification: Benign. Review status: criteria provided, single submitter. Criteria: ACMG Guidelines, 2015. Collection method: not provided. Allele origin: germline. Inheritance: Autosomal recessive inheritance. Affected: yes.